The following is an entry in ClinVar:

NM_201548.5(CERKL):c.677+573A>G

Gene: CERKL (CERK like autophagy regulator; minus strand). Cytogenetic location: 2q31.3.
Variant type: single nucleotide variant.
Coding change: c.677+573A>G on transcript NM_201548.5 (MANE Select); 573 bases into the intron after coding-DNA position 677, A replaced by G.
Molecular consequence: intron variant. On other transcripts: missense variant (2).
Genome position (GRCh38, 1-based): chr2:181,565,485, T>C on the plus strand (A>G on the coding strand, the complement: CERKL is on the minus strand). VCF-style: chr2-181565485-T-C. GRCh37 (hg19) VCF-style: chr2-182430212-T-C.
Other names: c.703A>G, p.Ile235Val (NM_001030311.3); c.571A>G, p.Ile191Val (NM_001160277.2); c.482-15777A>G (NM_001030312.3); c.613+8268A>G (NM_001030313.3); short protein forms I191V, I235V.
Identifiers: ClinVar variation 1405808 (VCV001405808.3), dbSNP rs767504383, ClinGen allele CA2010709.

ClinVar aggregate classification (germline): Uncertain significance (1 of 4 stars; one submission).

Allele frequency attached by ClinVar (database versions not stated): gnomAD exomes below 0.00001 and 0.00001; ExAC 0.00001.

Submission:

Labcorp Genetics (formerly Invitae), Labcorp
Classification: Uncertain significance. Last evaluated: 2022-08-23. Review status: criteria provided, single submitter. Criteria: Invitae Variant Classification Sherloc (09022015). Collection method: clinical testing. Allele origin: germline.
Comment: This sequence change replaces isoleucine, which is neutral and non-polar, with valine, which is neutral and non-polar, at codon 235 of the CERKL protein (p.Ile235Val). This variant is not present in population databases (gnomAD no frequency). This variant has not been reported in the literature in individuals affected with CERKL-related conditions. ClinVar contains an entry for this variant (Variation ID: 1405808). Algorithms developed to predict the effect of missense changes on protein structure and function are either unavailable or do not agree on the potential impact of this missense change (SIFT: "Deleterious"; PolyPhen-2: "Benign"; Align-GVGD: "Class C0"). Algorithms developed to predict the effect of sequence changes on RNA splicing suggest that this variant may create or strengthen a splice site. In summary, the available evidence is currently insufficient to determine the role of this variant in disease. Therefore, it has been classified as a Variant of Uncertain Significance.